The following is an entry in ClinVar:

ClinVar aggregate classification (germline): Uncertain significance. Review status: criteria provided, multiple submitters, no conflicts (2 of 4 stars). 3 submissions from 3 submitters: Uncertain significance (3). Last evaluated 2026-06-25.

Conditions:
RTEL1-related disorder. Also called: RTEL1-related condition; RTEL1-related disorders.
Inborn genetic diseases. Identifiers: MedGen C0950123, MeSH D030342.

Submissions (3):

PreventionGenetics, part of Exact Sciences
Classification: Uncertain significance for RTEL1-related condition. Last evaluated: 2026-06-25. Review status: criteria provided, single submitter. Criteria: ACMG Guidelines, 2015. Collection method: clinical testing. Allele origin: germline.
Comment: The RTEL1 c.2031C>A variant is predicted to result in the amino acid substitution p.Asp677Glu. To our knowledge, this variant has not been reported in the literature or in a large population database (gnomAD), indicating this variant is rare. At this time, the clinical significance of this variant is uncertain due to the absence of conclusive functional and genetic evidence.

Ambry Genetics
Classification: Uncertain significance for Inborn genetic diseases. Last evaluated: 2026-03-04. Review status: criteria provided, single submitter. Criteria: Ambry Variant Classification Scheme 2023. Collection method: clinical testing. Allele origin: germline.
Comment: The p.D653E variant (also known as c.1959C>A), located in coding exon 22 of the RTEL1 gene, results from a C to A substitution at nucleotide position 1959. The aspartic acid at codon 653 is replaced by glutamic acid, an amino acid with highly similar properties. This amino acid position is conserved. In addition, the in silico prediction for this alteration is inconclusive. Based on the available evidence, the clinical significance of this variant remains unclear.

GeneDx
Classification: Uncertain significance. Last evaluated: 2024-07-26. Review status: criteria provided, single submitter. Criteria: GeneDx Variant Classification Process June 2021. Collection method: clinical testing. Allele origin: germline. Affected: yes.
Comment: Not observed at significant frequency in large population cohorts (gnomAD); In silico analysis supports that this missense variant has a deleterious effect on protein structure/function; Has not been previously published as pathogenic or benign to our knowledge

NM_001283009.2(RTEL1):c.1959C>A (p.Asp653Glu)

Genes: RTEL1-TNFRSF6B (RTEL1-TNFRSF6B readthrough (NMD candidate); plus strand), RTEL1 (regulator of telomere elongation helicase 1; plus strand). Cytogenetic location: 20q13.33.
Variant type: single nucleotide variant.
Coding change: c.1959C>A on transcript NM_001283009.2 (MANE Select); coding-DNA position 1959, C replaced by A.
Protein change: p.Asp653Glu; replaces aspartic acid 653 with glutamic acid.
Molecular consequence: missense variant. On other transcripts: non-coding transcript variant (1).
Genome position (GRCh38, 1-based): chr20:63,689,582, C>A. VCF-style: chr20-63689582-C-A. GRCh37 (hg19) VCF-style: chr20-62320935-C-A.
Other names: c.1290C>A, p.Asp430Glu (NM_001283010.1); c.1959C>A, p.Asp653Glu (NM_016434.4); c.2031C>A, p.Asp677Glu (NM_032957.5); c.2031C>A (NM_032957.4); short protein forms D430E, D653E, D677E.
Identifiers: ClinVar variation 3602338 (VCV003602338.3).